The following is an entry in ClinVar:

NM_032383.5(HPS3):c.305C>G (p.Ser102Cys)

Gene: HPS3 (HPS3 biogenesis of lysosomal organelles complex 2 subunit 1; plus strand). Cytogenetic location: 3q24.
Variant type: single nucleotide variant.
Coding change: c.305C>G on transcript NM_032383.5 (MANE Select); coding-DNA position 305, C replaced by G.
Protein change: p.Ser102Cys; replaces serine 102 with cysteine.
Molecular consequence: missense variant. On other transcripts: intron variant (1).
Genome position (GRCh38, 1-based): chr3:149,140,091, C>G. VCF-style: chr3-149140091-C-G. GRCh37 (hg19) VCF-style: chr3-148857878-C-G.
Other names: c.218-926C>G (NM_001308258.2); short protein forms S102C.
Identifiers: ClinVar variation 3628147 (VCV003628147.2).

ClinVar aggregate classification (germline): Uncertain significance (1 of 4 stars; one submission).

gnomAD v4.1: 2 of 1,613,150 alleles (0.00012%); highest among the groups gnomAD compares: South Asian, 0.0011%; no homozygotes.

Submission:

Labcorp Genetics (formerly Invitae), Labcorp
Classification: Uncertain significance. Last evaluated: 2024-05-09. Review status: criteria provided, single submitter. Criteria: Invitae Variant Classification Sherloc (09022015). Collection method: clinical testing. Allele origin: germline.
Comment: This sequence change replaces serine, which is neutral and polar, with cysteine, which is neutral and slightly polar, at codon 102 of the HPS3 protein (p.Ser102Cys). This variant is not present in population databases (gnomAD no frequency). This variant has not been reported in the literature in individuals affected with HPS3-related conditions. Advanced modeling of protein sequence and biophysical properties (such as structural, functional, and spatial information, amino acid conservation, physicochemical variation, residue mobility, and thermodynamic stability) performed at Invitae indicates that this missense variant is not expected to disrupt HPS3 protein function with a negative predictive value of 80%. In summary, the available evidence is currently insufficient to determine the role of this variant in disease. Therefore, it has been classified as a Variant of Uncertain Significance.